The following is an entry in ClinVar:

NM_001987.5(ETV6):c.1237C>T (p.Gln413Ter)

Gene: ETV6 (ETS variant transcription factor 6; plus strand). Cytogenetic location: 12p13.2.
Variant type: single nucleotide variant.
Coding change: c.1237C>T on transcript NM_001987.5 (MANE Select); coding-DNA position 1237, C replaced by T.
Protein change: p.Gln413Ter; replaces glutamine 413 with a stop codon.
Molecular consequence: nonsense. On other transcripts: intron variant (1).
Genome position (GRCh38, 1-based): chr12:11,886,010, C>T. VCF-style: chr12-11886010-C-T. GRCh37 (hg19) VCF-style: chr12-12038944-C-T.
Other names: c.1234C>T, p.Gln412Ter (NM_001413913.1); c.1210C>T, p.Gln404Ter (NM_001413914.1); c.973C>T, p.Gln325Ter (NM_001413915.1); c.1010-4931C>T (NM_001413917.1); short protein forms Q412*, Q413*, Q325*, Q404*.
Identifiers: ClinVar variation 2697400 (VCV002697400.3), dbSNP rs2498187335, ClinGen allele CA384044999.

ClinVar aggregate classification (germline): Uncertain significance (1 of 4 stars; one submission).

Submission:

Labcorp Genetics (formerly Invitae), Labcorp
Classification: Uncertain significance. Last evaluated: 2023-11-19. Review status: criteria provided, single submitter. Criteria: Invitae Variant Classification Sherloc (09022015). Collection method: clinical testing. Allele origin: germline.
Comment: This sequence change creates a premature translational stop signal (p.Gln413*) in the ETV6 gene. While this is not anticipated to result in nonsense mediated decay, it is expected to disrupt the last 40 amino acid(s) of the ETV6 protein. This variant is not present in population databases (gnomAD no frequency). This variant has not been reported in the literature in individuals affected with ETV6-related conditions. Experimental studies and prediction algorithms are not available or were not evaluated, and the functional significance of this variant is currently unknown. In summary, the available evidence is currently insufficient to determine the role of this variant in disease. Therefore, it has been classified as a Variant of Uncertain Significance.